The following is an entry in ClinVar:

NM_004260.4(RECQL4):c.1969G>T (p.Ala657Ser)

Gene: RECQL4 (RecQ like helicase 4; minus strand). Cytogenetic location: 8q24.3.
Variant type: single nucleotide variant.
Coding change: c.1969G>T on transcript NM_004260.4 (MANE Select); coding-DNA position 1969, G replaced by T.
Protein change: p.Ala657Ser; replaces alanine 657 with serine.
Molecular consequence: missense variant.
Genome position (GRCh38, 1-based): chr8:144,514,017, C>A on the plus strand (G>T on the coding strand, the complement: RECQL4 is on the minus strand). VCF-style: chr8-144514017-C-A. GRCh37 (hg19) VCF-style: chr8-145739401-C-A.
Other names: short protein forms A657S.
Identifiers: ClinVar variation 837409 (VCV000837409.12), dbSNP rs993147176, ClinGen allele CA187684494.

ClinVar aggregate classification (germline): Uncertain significance. Review status: criteria provided, multiple submitters, no conflicts (2 of 4 stars). 3 submissions from 3 submitters: Uncertain significance (3). Last evaluated 2026-10-01.

Conditions:
Rothmund-Thomson syndrome type 2 (RTS2). Identifiers: Orphanet 221016, MedGen C5203410, MONDO:0016369, OMIM 268400.
Rapadilino syndrome. Identifiers: Orphanet 3021, MedGen C1849453, MONDO:0009955, OMIM 266280.
Baller-Gerold syndrome (BGS). Also called: CRANIOSYNOSTOSIS WITH RADIAL DEFECTS. Identifiers: Orphanet 1225, MedGen C0265308, MONDO:0009039, OMIM 218600.
Inborn genetic diseases. Identifiers: MedGen C0950123, MeSH D030342.

gnomAD v4.1: 3 of 1,571,638 alleles (0.00019%); highest among the groups gnomAD compares: Non-Finnish European, 0.00026%; no homozygotes.

Submissions (3):

St. Jude Molecular Pathology, St. Jude Children's Research Hospital
Classification: Uncertain significance for Rothmund-Thomson syndrome type 2. Last evaluated: 2026-10-01. Review status: criteria provided, single submitter. Criteria: St. Jude Assertion Criteria 2020. Collection method: clinical testing. Allele origin: germline.
Comment: The RECQL4 c.1969G>T p.(Ala657Ser) missense change is absent in gnomAD v2.1.1. In silico tools predict a benign effect of this variant on protein function, but to our knowledge this prediction has not been confirmed by functional studies. To our knowledge, this variant has not been reported in individuals with RECQL4-associated conditions. In summary, the evidence currently available is insufficient to determine the clinical significance of this variant. It has therefore been classified as of uncertain significance.

Ambry Genetics
Classification: Uncertain significance for Inborn genetic diseases. Last evaluated: 2025-03-29. Review status: criteria provided, single submitter. Criteria: Ambry Variant Classification Scheme 2023. Collection method: clinical testing. Allele origin: germline.
Comment: The p.A657S variant (also known as c.1969G>T), located in coding exon 12 of the RECQL4 gene, results from a G to T substitution at nucleotide position 1969. The alanine at codon 657 is replaced by serine, an amino acid with similar properties. This amino acid position is conserved. In addition, this alteration is predicted to be tolerated by in silico analysis. Based on the available evidence, the clinical significance of this variant remains unclear.

Labcorp Genetics (formerly Invitae), Labcorp
Classification: Uncertain significance for Baller-Gerold syndrome. Last evaluated: 2024-02-13. Review status: criteria provided, single submitter. Criteria: Invitae Variant Classification Sherloc (09022015). Collection method: clinical testing. Allele origin: germline.
Comment: This sequence change replaces alanine, which is neutral and non-polar, with serine, which is neutral and polar, at codon 657 of the RECQL4 protein (p.Ala657Ser). This variant is not present in population databases (gnomAD no frequency). This variant has not been reported in the literature in individuals affected with RECQL4-related conditions. ClinVar contains an entry for this variant (Variation ID: 837409). Advanced modeling of protein sequence and biophysical properties (such as structural, functional, and spatial information, amino acid conservation, physicochemical variation, residue mobility, and thermodynamic stability) performed at Invitae indicates that this missense variant is not expected to disrupt RECQL4 protein function with a negative predictive value of 80%. In summary, the available evidence is currently insufficient to determine the role of this variant in disease. Therefore, it has been classified as a Variant of Uncertain Significance.